The following is an entry in ClinVar:

ClinVar aggregate classification (germline): Uncertain significance (1 of 4 stars; one submission).

Submission:

Ambry Genetics
Classification: Uncertain significance. Last evaluated: 2025-05-31. Review status: criteria provided, single submitter. Criteria: Ambry Variant Classification Scheme 2023. Collection method: clinical testing. Allele origin: germline.
Comment: The p.G489A variant (also known as c.1466G>C), located in coding exon 8 of the RNF43 gene, results from a G to C substitution at nucleotide position 1466. The glycine at codon 489 is replaced by alanine, an amino acid with similar properties. This amino acid position is conserved. In addition, this alteration is predicted to be tolerated by in silico analysis. Based on the available evidence, the clinical significance of this variant remains unclear.

NM_017763.6(RNF43):c.1466G>C (p.Gly489Ala)

Gene: RNF43 (ring finger protein 43; minus strand). Cytogenetic location: 17q22.
Variant type: single nucleotide variant.
Coding change: c.1466G>C on transcript NM_017763.6 (MANE Select); coding-DNA position 1466, G replaced by C.
Protein change: p.Gly489Ala; replaces glycine 489 with alanine.
Molecular consequence: missense variant.
Genome position (GRCh38, 1-based): chr17:58,358,310, C>G on the plus strand (G>C on the coding strand, the complement: RNF43 is on the minus strand). VCF-style: chr17-58358310-C-G. GRCh37 (hg19) VCF-style: chr17-56435671-C-G.
Other names: c.1466G>C, p.Gly489Ala (NM_001305544.3); c.1085G>C, p.Gly362Ala (NM_001305545.2); short protein forms G489A, G362A.
Identifiers: ClinVar variation 3946922 (VCV003946922.1).
Genomic context (GRCh38, chr17:58,358,310, plus strand): 5'-ACTAGGGGGTCAAAGTCACTGCTTAGGGAGCTGCAGAAAGTAGAACTGCTGCCATGGACC[C>G]CCTGTAGGCTGATGTCCGTGCAGTTGACCACAGAGTCACTGGAAGAGCCATGACAGGGCC-3'
Protein context (NP_060233.3, residues 479-499): VVNCTDISLQ[Gly489Ala]VHGSSSTFCS